The following is an entry in ClinVar:

NM_007294.4(BRCA1):c.3466G>A (p.Asp1156Asn)

Genes: BRCA1 (BRCA1 DNA repair associated; minus strand), LOC126862571 (BRD4-independent group 4 enhancer GRCh37_chr17:41243136-41244335; plus strand). Cytogenetic location: 17q21.31.
Variant type: single nucleotide variant.
Coding change: c.3466G>A on transcript NM_007294.4 (MANE Select); coding-DNA position 3466, G replaced by A.
Protein change: p.Asp1156Asn; replaces aspartic acid 1156 with asparagine.
Molecular consequence: missense variant. On other transcripts: intron variant (135).
Genome position (GRCh38, 1-based): chr17:43,092,065, C>T on the plus strand (G>A on the coding strand, the complement: BRCA1 is on the minus strand). VCF-style: chr17-43092065-C-T. GRCh37 (hg19) VCF-style: chr17-41244082-C-T.
Other names: c.3343G>A, p.Asp1115Asn (NM_001407683.1, NM_001407664.1, NM_001407665.1 and 19 more transcripts); c.455-1033G>A (NM_001408502.1); c.578-1033G>A (NM_001408489.1, NM_001408479.1, NM_001408481.1 and 9 more transcripts); c.3340G>A, p.Asp1114Asn (NM_001407685.1, NM_001407688.1, NM_001407689.1 and 11 more transcripts); c.662-1033G>A (NM_001408445.1, NM_001408432.1, NM_001408446.1 and 6 more transcripts); c.668-1033G>A (NM_001408424.1, NM_001408431.1, NM_001408421.1); c.3466G>A, p.Asp1156Asn (NM_001407684.1, NM_001407854.1, NM_001407858.1 and 30 more transcripts); c.3388G>A, p.Asp1130Asn (NM_001407653.1, NM_001407654.1, NM_001407655.1 and 4 more transcripts); and 41 more; short protein forms D1156N, D1109N, D1028N, D1045N, D1130N, D1067N, D1068N, D1089N.
Identifiers: ClinVar variation 418557 (VCV000418557.17), dbSNP rs1064793302, ClinGen allele CA10595051.

ClinVar aggregate classification (germline): Conflicting classifications of pathogenicity. Review status: criteria provided, conflicting classifications (1 of 4 stars). 6 submissions from 6 submitters: Uncertain significance (5); Likely benign (1). Last evaluated 2024-09-23.

Conditions:
Hereditary cancer-predisposing syndrome. Also called: Hereditary neoplastic syndrome; Tumor predisposition; Neoplastic Syndromes, Hereditary; Hereditary Cancer Syndrome. Identifiers: Orphanet 140162, MedGen C0027672, MeSH D009386, MONDO:0015356.
Hereditary breast ovarian cancer syndrome. Also called: Hereditary breast and ovarian cancer; Hereditary breast and/or ovarian cancer syndrome; Hereditary breast and ovarian cancer syndrome; Hereditary breast and ovarian cancer syndrome (HBOC); Breast and ovarian cancer; BRCA1- and BRCA2-Associated Hereditary Breast and Ovarian Cancer. Identifiers: Orphanet 145, MedGen C0677776, MeSH D061325, MONDO:0003582. Disease mechanism: loss of function.
BRCA1-related cancer predisposition. Identifiers: MedGen CN377757, MONDO:0700268.

Allele frequency attached by ClinVar (database versions not stated): gnomAD exomes below 0.00001.
gnomAD v4.1: 1 of 1,614,082 alleles (0.000062%); highest among the groups gnomAD compares: East Asian, 0.0022%; no homozygotes.

Submissions (6):

All of Us Research Program, National Institutes of Health
Classification: Uncertain significance for BRCA1-related cancer predisposition. Last evaluated: 2024-09-23. Review status: criteria provided, single submitter. Criteria: ACMG Guidelines, 2015. Collection method: clinical testing. Allele origin: germline. Inheritance: Autosomal dominant inheritance. Observed: 2 variant alleles, 2 heterozygotes.
Comment: This missense variant replaces aspartic acid with asparagine at codon 1156 of the BRCA1 protein. Computational prediction suggests that this variant may not impact protein structure and function (internally defined REVEL score threshold <= 0.5, PMID: 27666373). To our knowledge, functional studies have not been reported for this variant. This variant has been reported in breast, pancreatic and prostate cancer case-control studies and detected in one individual each affected with breast cancer and pancreatic cancer and in one unaffected individual in each study (PMID: 30287823, 31214711, 32980694, 33471991). This variant has not been identified in the general population by the Genome Aggregation Database (gnomAD). The available evidence is insufficient to determine the role of this variant in disease conclusively. Therefore, this variant is classified as a Variant of Uncertain Significance.

This study involves interpretation of variants in research participants for the purpose of population health screening. Participant phenotype was not available at the time of variant classification. Additional details can be found in publication PMID: 35346344, PMCID: PMC8962531

Ambry Genetics
Classification: Uncertain significance for Hereditary cancer-predisposing syndrome. Last evaluated: 2024-05-03. Review status: criteria provided, single submitter. Criteria: Ambry Variant Classification Scheme 2023. Collection method: clinical testing. Allele origin: germline.
Comment: The p.D1156N variant (also known as c.3466G>A), located in coding exon 9 of the BRCA1 gene, results from a G to A substitution at nucleotide position 3466. The aspartic acid at codon 1156 is replaced by asparagine, an amino acid with highly similar properties. This alteration was identified amongst a cohort of 3984 Chinese women with a breast cancer diagnosis undergoing BRCA1/2 genetic testing (Yao L et al. J Hum Genet, 2022 Nov;67:639-642). This alteration was not observed in 7,051 unselected female breast cancer patients, 53 unselected male breast cancer patients, or 11,241 female controls of Japanese ancestry, but was observed in 1/12,490 male controls of Japanese ancestry (Momozawa Y et al. Nat Commun, 2018 Oct;9:4083). This variant was also reported in 1/60,466 breast cancer cases and in 1/53,461 controls (Dorling et al. N Engl J Med 2021 02;384:428-439). This amino acid position is well conserved in available vertebrate species. In addition, this alteration is predicted to be tolerated by in silico analysis. Based on the available evidence, the clinical significance of this variant remains unclear.

Color Diagnostics, LLC DBA Color Health
Classification: Uncertain significance for Hereditary cancer-predisposing syndrome. Last evaluated: 2023-04-24. Review status: criteria provided, single submitter. Criteria: ACMG Guidelines, 2015. Collection method: clinical testing. Allele origin: germline.
Comment: This missense variant replaces aspartic acid with asparagine at codon 1156 of the BRCA1 protein. Computational prediction suggests that this variant may not impact protein structure and function (internally defined REVEL score threshold <= 0.5, PMID: 27666373). To our knowledge, functional studies have not been reported for this variant. This variant has been reported in breast, pancreatic and prostate cancer case-control studies and detected in one individual each affected with breast cancer and pancreatic cancer and in one unaffected individual in each study (PMID: 30287823, 31214711, 32980694, 33471991). This variant has not been identified in the general population by the Genome Aggregation Database (gnomAD). The available evidence is insufficient to determine the role of this variant in disease conclusively. Therefore, this variant is classified as a Variant of Uncertain Significance.

University of Washington Department of Laboratory Medicine, University of Washington
Classification: Likely benign for Hereditary cancer-predisposing syndrome. Last evaluated: 2023-03-23. Review status: criteria provided, single submitter. Criteria: Dines et al. (Genet Med. 2020). Collection method: curation. Allele origin: germline.
Comment: Missense variant in a coldspot region where missense variants are very unlikely to be pathogenic (PMID:31911673).

BRCA1 coldspot (exon 11 using historical exon numbering). Reclassification based on statistical prior probability

Labcorp Genetics (formerly Invitae), Labcorp
Classification: Uncertain significance for Hereditary breast ovarian cancer syndrome. Last evaluated: 2022-07-29. Review status: criteria provided, single submitter. Criteria: Invitae Variant Classification Sherloc (09022015). Collection method: clinical testing. Allele origin: germline.
Comment: This sequence change replaces aspartic acid, which is acidic and polar, with asparagine, which is neutral and polar, at codon 1156 of the BRCA1 protein (p.Asp1156Asn). This variant is not present in population databases (gnomAD no frequency). This variant has not been reported in the literature in individuals affected with BRCA1-related conditions. ClinVar contains an entry for this variant (Variation ID: 418557). Advanced modeling of protein sequence and biophysical properties (such as structural, functional, and spatial information, amino acid conservation, physicochemical variation, residue mobility, and thermodynamic stability) performed at Invitae indicates that this missense variant is not expected to disrupt BRCA1 protein function. In summary, the available evidence is currently insufficient to determine the role of this variant in disease. Therefore, it has been classified as a Variant of Uncertain Significance.

GeneDx
Classification: Uncertain significance. Last evaluated: 2018-02-13. Review status: criteria provided, single submitter. Criteria: GeneDx Variant Classification (06012015). Collection method: clinical testing. Allele origin: germline. Affected: yes.
Comment: This variant is denoted BRCA1 c.3466G>A at the cDNA level, p.Asp1156Asn (D1156N) at the protein level, and results in the change of an Aspartic Acid to an Asparagine (GAT>AAT). Using alternate nomenclature, this variant would be defined as BRCA1 3585G>A. This variant has not, to our knowledge, been published in the literature as pathogenic or benign. BRCA1 Asp1156Asn was not observed in large population cohorts (Lek 2016). This variant is not located in a known functional domain. In silico analysis, which includes protein predictors and evolutionary conservation, supports a deleterious effect. Based on currently available evidence, it is unclear whether BRCA1 Asp1156Asn is a pathogenic or benign variant. We consider it to be a variant of uncertain significance.

Literature cited by the submitters: PubMed 30287823 (cited by 3 submitters); PubMed 31214711 (cited by All of Us Research Program, National Institutes of Health and Color Diagnostics, LLC DBA Color Health); PubMed 32980694 (cited by All of Us Research Program, National Institutes of Health and Color Diagnostics, LLC DBA Color Health); PubMed 33471991 (cited by 3 submitters); PubMed 35864222 (cited by Ambry Genetics).